The following is an entry in ClinVar:

NM_000179.3(MSH6):c.1525G>A (p.Val509Met)

Gene: MSH6 (mutS homolog 6; plus strand). Cytogenetic location: 2p16.3.
Variant type: single nucleotide variant.
Coding change: c.1525G>A on transcript NM_000179.3 (MANE Select); coding-DNA position 1525, G replaced by A.
Protein change: p.Val509Met; replaces valine 509 with methionine.
Molecular consequence: missense variant.
Genome position (GRCh38, 1-based): chr2:47,799,508, G>A. VCF-style: chr2-47799508-G-A. GRCh37 (hg19) VCF-style: chr2-48026647-G-A.
Other names: c.1135G>A, p.Val379Met (NM_001281492.2); c.619G>A, p.Val207Met (NM_001281493.2, NM_001281494.2, NM_001406811.1 and 6 more transcripts); c.1621G>A, p.Val541Met (NM_001406795.1, NM_001406802.1); c.1525G>A, p.Val509Met (NM_001406796.1, NM_001406798.1, NM_001406800.1 and 4 more transcripts); c.1228G>A, p.Val410Met (NM_001406797.1, NM_001406801.1, NM_001406805.1 and 10 more transcripts); c.1000G>A, p.Val334Met (NM_001406799.1, NM_001406806.1, NM_001406807.1); c.1447G>A, p.Val483Met (NM_001406804.1); c.1531G>A, p.Val511Met (NM_001406813.1); and 1 more; short protein forms V207M, V334M, V379M, V410M, V453M, V483M, V509M, V511M.
Identifiers: ClinVar variation 1719630 (VCV001719630.9), dbSNP rs876660317, ClinGen allele CA346746429.
Genomic context (GRCh38, chr2:47,799,508, plus strand): 5'-CCAGAAATGATGGAGGCACGATGTAGAAAGATGGCACATATATCCAAGTATGATAGAGTG[G>A]TGAGGAGGGAGATCTGTAGGATCATTACCAAGGGTACACAGACTTACAGTGTGCTGGAAG-3'
Protein context (NP_000170.1, residues 499-519): MAHISKYDRV[Val509Met]RREICRIITK

ClinVar aggregate classification (germline): Uncertain significance. Review status: criteria provided, multiple submitters, no conflicts (2 of 4 stars). 2 submissions from 2 submitters: Uncertain significance (2). Last evaluated 2025-07-03.

Conditions:
Hereditary cancer-predisposing syndrome. Also called: Hereditary neoplastic syndrome; Neoplastic Syndromes, Hereditary; Hereditary Cancer Syndrome; Tumor predisposition. Identifiers: Orphanet 140162, MedGen C0027672, MeSH D009386, MONDO:0015356.
Hereditary nonpolyposis colorectal neoplasms. Identifiers: MedGen C0009405, MeSH D003123.

Submissions (2):

Ambry Genetics
Classification: Uncertain significance for Hereditary cancer-predisposing syndrome. Last evaluated: 2025-07-03. Review status: criteria provided, single submitter. Criteria: Ambry Variant Classification Scheme 2023. Collection method: clinical testing. Allele origin: germline.
Comment: The p.V509M variant (also known as c.1525G>A), located in coding exon 4 of the MSH6 gene, results from a G to A substitution at nucleotide position 1525. The valine at codon 509 is replaced by methionine, an amino acid with highly similar properties. This amino acid position is highly conserved in available vertebrate species. In addition, this alteration is predicted to be deleterious by in silico analysis. Based on the available evidence, the clinical significance of this variant remains unclear.

Labcorp Genetics (formerly Invitae), Labcorp
Classification: Uncertain significance for Hereditary nonpolyposis colorectal neoplasms. Last evaluated: 2023-02-27. Review status: criteria provided, single submitter. Criteria: Invitae Variant Classification Sherloc (09022015). Collection method: clinical testing. Allele origin: germline.
Comment: This sequence change replaces valine, which is neutral and non-polar, with methionine, which is neutral and non-polar, at codon 509 of the MSH6 protein (p.Val509Met). This variant is not present in population databases (gnomAD no frequency). This variant has not been reported in the literature in individuals affected with MSH6-related conditions. ClinVar contains an entry for this variant (Variation ID: 1719630). Advanced modeling of protein sequence and biophysical properties (such as structural, functional, and spatial information, amino acid conservation, physicochemical variation, residue mobility, and thermodynamic stability) has been performed at Invitae for this missense variant, however the output from this modeling did not meet the statistical confidence thresholds required to predict the impact of this variant on MSH6 protein function. In summary, the available evidence is currently insufficient to determine the role of this variant in disease. Therefore, it has been classified as a Variant of Uncertain Significance.